The following is an entry in ClinVar:

ClinVar aggregate classification (germline): Pathogenic (1 of 4 stars; one submission).

Submission:

Labcorp Genetics (formerly Invitae), Labcorp
Classification: Pathogenic. Last evaluated: 2021-03-13. Review status: criteria provided, single submitter. Criteria: Invitae Variant Classification Sherloc (09022015). Collection method: clinical testing. Allele origin: germline.
Comment: For these reasons, this variant has been classified as Pathogenic. This variant has not been reported in the literature in individuals with COL18A1-related conditions. This variant is not present in population databases (ExAC no frequency). This sequence change creates a premature translational stop signal (p.Gln161*) in the COL18A1 gene. It is expected to result in an absent or disrupted protein product. Loss-of-function variants in COL18A1 are known to be pathogenic (PMID: 12415512, 25456301).

Literature cited by the submitters: PubMed 12415512; PubMed 25456301.

NM_001379500.1(COL18A1):c.481C>T (p.Gln161Ter)

Gene: COL18A1 (collagen type XVIII alpha 1 chain; plus strand). Cytogenetic location: 21q22.3.
Variant type: single nucleotide variant.
Coding change: c.481C>T on transcript NM_001379500.1 (MANE Select); coding-DNA position 481, C replaced by T.
Protein change: p.Gln161Ter; replaces glutamine 161 with a stop codon.
Molecular consequence: nonsense.
Genome position (GRCh38, 1-based): chr21:45,468,616, C>T. VCF-style: chr21-45468616-C-T. GRCh37 (hg19) VCF-style: chr21-46888530-C-T.
Other names: c.1021C>T, p.Gln341Ter (NM_030582.4); c.1726C>T, p.Gln576Ter (NM_130444.3); short protein forms Q161*, Q576*, Q341*.
Identifiers: ClinVar variation 1411374 (VCV001411374.6), dbSNP rs2145890906, ClinGen allele CA410512125.
Genomic context (GRCh38, chr21:45,468,616, plus strand): 5'-GAACCAGGTGCAGGCCAGACCCACACAGCCGCCAGCTTCCGGCTCCCCGCCTTCGTCGGC[C>T]AGTGGACACACTTAGCCCTCAGTGTGGCAGGTGGCTTTGTGGCCCTCTACGTGGACTGTG-3'